The following is an entry in ClinVar:

NM_000238.4(KCNH2):c.2682_2685dup (p.Asp896fs)

Gene: KCNH2 (potassium voltage-gated channel subfamily H member 2; minus strand). Cytogenetic location: 7q36.1.
Variant type: Duplication.
Coding change: c.2682_2685dup on transcript NM_000238.4 (MANE Select); coding-DNA positions 2682 to 2685, 4 bases duplicated (CACG; older notation c.2682_2685dupCACG).
Protein change: p.Asp896fs; shifts the reading frame from aspartic acid 896.
Molecular consequence: frameshift variant.
Genome position (GRCh38, 1-based): chr7:150,948,451-150,948,454, CGTG duplicated on the plus strand (CACG on the coding strand, the reverse complement: KCNH2 is on the minus strand); duplicating any 4 consecutive bases within chr7:150,948,451-150,948,456 gives the same sequence; the c. name uses the placement nearest the transcript's 3' end. VCF-style (leftmost placement, unchanged base first): chr7-150948450-C-CCGTG. GRCh37 (hg19) VCF-style: chr7-150645538-C-CCGTG.
Other names: c.1662_1665dup, p.Asp556fs (NM_172057.3); short protein forms D556fs, D896fs.
Identifiers: ClinVar variation 1076538 (VCV001076538.9), dbSNP rs2116937449, ClinGen allele CA2499218791.

ClinVar aggregate classification (germline): Pathogenic (1 of 4 stars; one submission).

Conditions:
Long QT syndrome (LQTS). Identifiers: MedGen C0023976, MeSH D008133, MONDO:0002442. Disease mechanism: loss of function. Inheritance: Various modes of inheritance.

Submission:

Labcorp Genetics (formerly Invitae), Labcorp
Classification: Pathogenic for Long QT syndrome. Last evaluated: 2020-11-15. Review status: criteria provided, single submitter. Criteria: Invitae Variant Classification Sherloc (09022015). Collection method: clinical testing. Allele origin: germline.
Comment: This sequence change creates a premature translational stop signal (p.Asp896Hisfs*25) in the KCNH2 gene. It is expected to result in an absent or disrupted protein product. This variant is not present in population databases (ExAC no frequency). This variant has been observed in individual(s) with long QT syndrome (PMID: 30369311). Loss-of-function variants in KCNH2 are known to be pathogenic (PMID: 10973849, 19862833). For these reasons, this variant has been classified as Pathogenic.

Literature cited by the submitters: PubMed 30369311; PubMed 10973849; PubMed 19862833.